The following is an entry in ClinVar:

NM_002246.3(KCNK3):c.853G>A (p.Ala285Thr)

Gene: KCNK3 (potassium two pore domain channel subfamily K member 3; plus strand). Cytogenetic location: 2p23.3.
Variant type: single nucleotide variant.
Coding change: c.853G>A on transcript NM_002246.3 (MANE Select); coding-DNA position 853, G replaced by A.
Protein change: p.Ala285Thr; replaces alanine 285 with threonine.
Molecular consequence: missense variant.
Genome position (GRCh38, 1-based): chr2:26,728,236, G>A. VCF-style: chr2-26728236-G-A. GRCh37 (hg19) VCF-style: chr2-26951104-G-A.
Other names: short protein forms A285T.
Identifiers: ClinVar variation 935310 (VCV000935310.10), dbSNP rs768231464, ClinGen allele CA346262899.

ClinVar aggregate classification (germline): Uncertain significance. Review status: criteria provided, multiple submitters, no conflicts (2 of 4 stars). 2 submissions from 2 submitters: Uncertain significance (2). Last evaluated 2025-06-20.

Conditions:
Pulmonary hypertension, primary, 4. Identifiers: Orphanet 422, MedGen C3809198, MONDO:0014136, OMIM 615344.

gnomAD v4.1: 2 of 1,573,196 alleles (0.00013%); highest among the groups gnomAD compares: Admixed American, 0.0018%; no homozygotes.

Submissions (2):

Labcorp Genetics (formerly Invitae), Labcorp
Classification: Uncertain significance for Pulmonary hypertension, primary, 4. Last evaluated: 2025-06-20. Review status: criteria provided, single submitter. Criteria: Invitae Variant Classification Sherloc (09022015). Collection method: clinical testing. Allele origin: germline.
Comment: This sequence change replaces alanine, which is neutral and non-polar, with threonine, which is neutral and polar, at codon 285 of the KCNK3 protein (p.Ala285Thr). This variant is not present in population databases (gnomAD no frequency). This variant has not been reported in the literature in individuals affected with KCNK3-related conditions. ClinVar contains an entry for this variant (Variation ID: 935310). Invitae Evidence Modeling of protein sequence and biophysical properties (such as structural, functional, and spatial information, amino acid conservation, physicochemical variation, residue mobility, and thermodynamic stability) indicates that this missense variant is not expected to disrupt KCNK3 protein function with a negative predictive value of 80%. In summary, the available evidence is currently insufficient to determine the role of this variant in disease. Therefore, it has been classified as a Variant of Uncertain Significance.

Fulgent Genetics
Classification: Uncertain significance for Pulmonary hypertension, primary, 4. Last evaluated: 2022-01-06. Review status: criteria provided, single submitter. Criteria: ACMG Guidelines, 2015. Collection method: clinical testing. Allele origin: unknown.